The following is an entry in ClinVar:

ClinVar aggregate classification (germline): Conflicting classifications of pathogenicity. Review status: criteria provided, conflicting classifications (1 of 4 stars). 3 submissions from 3 submitters: Uncertain significance (2); Likely benign (1). Last evaluated 2026-08-17.

Conditions:
Hereditary cancer-predisposing syndrome. Also called: Neoplastic Syndromes, Hereditary; Hereditary Cancer Syndrome; Tumor predisposition; Hereditary neoplastic syndrome. Identifiers: Orphanet 140162, MedGen C0027672, MeSH D009386, MONDO:0015356.
Hereditary nonpolyposis colorectal neoplasms. Identifiers: MedGen C0009405, MeSH D003123.

gnomAD v4.1: 2 of 1,614,162 alleles (0.00012%); highest among the groups gnomAD compares: East Asian, 0.0022%; no homozygotes.

Submissions (3):

Ambry Genetics
Classification: Likely benign for Hereditary cancer-predisposing syndrome. Last evaluated: 2026-08-17. Review status: criteria provided, single submitter. Criteria: Ambry Variant Classification Scheme 2023. Collection method: clinical testing. Allele origin: germline.

Labcorp Genetics (formerly Invitae), Labcorp
Classification: Uncertain significance for Hereditary nonpolyposis colorectal neoplasms. Last evaluated: 2024-05-27. Review status: criteria provided, single submitter. Criteria: Invitae Variant Classification Sherloc (09022015). Collection method: clinical testing. Allele origin: germline.
Comment: This sequence change replaces leucine, which is neutral and non-polar, with phenylalanine, which is neutral and non-polar, at codon 585 of the PMS2 protein (p.Leu585Phe). This variant is not present in population databases (gnomAD no frequency). This variant has not been reported in the literature in individuals affected with PMS2-related conditions. ClinVar contains an entry for this variant (Variation ID: 919553). Advanced modeling of protein sequence and biophysical properties (such as structural, functional, and spatial information, amino acid conservation, physicochemical variation, residue mobility, and thermodynamic stability) performed at Invitae indicates that this missense variant is not expected to disrupt PMS2 protein function with a negative predictive value of 80%. In summary, the available evidence is currently insufficient to determine the role of this variant in disease. Therefore, it has been classified as a Variant of Uncertain Significance.

Color Diagnostics, LLC DBA Color Health
Classification: Uncertain significance for Hereditary cancer-predisposing syndrome. Last evaluated: 2019-10-23. Review status: criteria provided, single submitter. Criteria: ACMG Guidelines, 2015. Collection method: clinical testing. Allele origin: germline.
Comment: This missense variant replaces leucine with phenylalanine at codon 585 of the PMS2 protein. Computational prediction tool suggests that this variant may not impact protein structure and function (internally defined REVEL score threshold ≤0.5, PMID: 27666373). Splice site prediction tools suggest that this variant may not impact RNA splicing. To our knowledge, functional studies have not been performed for this variant. This variant has not been reported in individuals affected with hereditary cancer in the literature. This variant has not been identified in the general population by the Genome Aggregation Database (gnomAD). The available evidence is insufficient to determine the role of this variant in disease conclusively. Therefore, this variant is classified as a Variant of Uncertain Significance.

NM_000535.7(PMS2):c.1753C>T (p.Leu585Phe)

Gene: PMS2 (PMS1 homolog 2, mismatch repair system component; minus strand). Cytogenetic location: 7p22.1.
Variant type: single nucleotide variant.
Coding change: c.1753C>T on transcript NM_000535.7 (MANE Select); coding-DNA position 1753, C replaced by T.
Protein change: p.Leu585Phe; replaces leucine 585 with phenylalanine.
Molecular consequence: missense variant. On other transcripts: non-coding transcript variant (1).
Genome position (GRCh38, 1-based): chr7:5,987,012, G>A on the plus strand (C>T on the coding strand, the complement: PMS2 is on the minus strand). VCF-style: chr7-5987012-G-A. GRCh37 (hg19) VCF-style: chr7-6026643-G-A.
Other names: c.1348C>T, p.Leu450Phe (NM_001322003.2, NM_001322004.2, NM_001322005.2 and 1 more transcripts); c.1597C>T, p.Leu533Phe (NM_001322006.2); c.1435C>T, p.Leu479Phe (NM_001322007.2, NM_001322008.2); c.1192C>T, p.Leu398Phe (NM_001322010.2); c.820C>T, p.Leu274Phe (NM_001322011.2, NM_001322012.2); c.1180C>T, p.Leu394Phe (NM_001322013.2); c.1753C>T, p.Leu585Phe (NM_001322014.2); c.1444C>T, p.Leu482Phe (NM_001322015.2); short protein forms L398F, L533F, L585F, L274F, L482F, L394F, L450F, L479F.
Identifiers: ClinVar variation 919553 (VCV000919553.9), dbSNP rs63750947, ClinGen allele CA366740024.